The following is an entry in ClinVar:

ClinVar aggregate classification (germline): Benign (0 of 4 stars; one submission).

Conditions:
KCNJ12-related disorder. Also called: KCNJ12-related condition.

Allele frequency attached by ClinVar (database versions not stated): gnomAD 0.00013; ESP Exome Variant Server 0.21682; 1000 Genomes Project 0.34625; ExAC 0.35378.

Submission:

PreventionGenetics, part of Exact Sciences
Classification: Benign for KCNJ12-related condition. Last evaluated: 2019-10-31. Review status: no assertion criteria provided. Collection method: clinical testing. Allele origin: germline.
Comment: This variant is classified as benign based on ACMG/AMP sequence variant interpretation guidelines (Richards et al. 2015 PMID: 25741868, with internal and published modifications).

NM_021012.5(KCNJ12):c.116G>A (p.Arg39Gln)

Gene: KCNJ12 (potassium inwardly rectifying channel subfamily J member 12; plus strand). Cytogenetic location: 17p11.2.
Variant type: single nucleotide variant.
Coding change: c.116G>A on transcript NM_021012.5 (MANE Select); coding-DNA position 116, G replaced by A.
Protein change: p.Arg39Gln; replaces arginine 39 with glutamine.
Molecular consequence: missense variant.
Genome position (GRCh38, 1-based): chr17:21,415,458, G>A. VCF-style: chr17-21415458-G-A. GRCh37 (hg19) VCF-style: chr17-21318770-G-A.
Other names: short protein forms R39Q.
Identifiers: ClinVar variation 3059461 (VCV003059461.2), dbSNP rs3752033, ClinGen allele CA8451001.
Genomic context (GRCh38, chr17:21,415,458, plus strand): 5'-GGCTGCACCTGGTCACCATGTCGGGCGCCAACGGCTTCGGCAACGGCAAGGTGCACACGC[G>A]GCGCAGGTGCCGCAACCGCTTCGTCAAGAAGAATGGCCAGTGCAACATTGAGTTCGCCAA-3'
Protein context (NP_066292.2, residues 29-49): NGFGNGKVHT[Arg39Gln]RRCRNRFVKK